The following is an entry in ClinVar:

ClinVar aggregate classification (germline): Uncertain significance. Review status: criteria provided, multiple submitters, no conflicts (2 of 4 stars). 3 submissions from 3 submitters: Uncertain significance (3). Last evaluated 2023-11-14.

Conditions:
Microcephaly, normal intelligence and immunodeficiency (NBS). Also called: SEEMANOVA SYNDROME II; Immunodeficiency, microcephaly with normal intelligence; IMMUNODEFICIENCY, MICROCEPHALY, AND CHROMOSOMAL INSTABILITY; Nijmegen breakage syndrome; Microcephaly with normal intelligence immunodeficiency and lymphoreticular malignancies; Nonsyndromal microcephaly autosomal recessive with normal intelligence. Identifiers: Orphanet 647, MedGen C0398791, MONDO:0009623, OMIM 251260.
Aplastic anemia. Identifiers: Orphanet 182040, Orphanet 88, MedGen C0002874, MONDO:0015909, OMIM 609135, HP:0001915.
Hereditary cancer-predisposing syndrome. Also called: Neoplastic Syndromes, Hereditary; Hereditary Cancer Syndrome; Tumor predisposition; Hereditary neoplastic syndrome. Identifiers: Orphanet 140162, MedGen C0027672, MeSH D009386, MONDO:0015356.

Submissions (3):

Baylor Genetics
Classification: Uncertain significance for Aplastic anemia. Last evaluated: 2023-11-14. Review status: criteria provided, single submitter. Criteria: ACMG Guidelines, 2015. Collection method: clinical testing. Allele origin: unknown.

Ambry Genetics
Classification: Uncertain significance for Hereditary cancer-predisposing syndrome. Last evaluated: 2022-08-11. Review status: criteria provided, single submitter. Criteria: Ambry Variant Classification Scheme 2023. Collection method: clinical testing. Allele origin: germline.
Comment: The p.R624G variant (also known as c.1870C>G), located in coding exon 12 of the NBN gene, results from a C to G substitution at nucleotide position 1870. The arginine at codon 624 is replaced by glycine, an amino acid with dissimilar properties. This amino acid position is conserved. In addition, this alteration is predicted to be tolerated by in silico analysis. Since supporting evidence is limited at this time, the clinical significance of this alteration remains unclear.

Labcorp Genetics (formerly Invitae), Labcorp
Classification: Uncertain significance for Microcephaly, normal intelligence and immunodeficiency. Last evaluated: 2022-01-23. Review status: criteria provided, single submitter. Criteria: Invitae Variant Classification Sherloc (09022015). Collection method: clinical testing. Allele origin: germline.
Comment: In summary, the available evidence is currently insufficient to determine the role of this variant in disease. Therefore, it has been classified as a Variant of Uncertain Significance. Algorithms developed to predict the effect of missense changes on protein structure and function (SIFT, PolyPhen-2, Align-GVGD) all suggest that this variant is likely to be tolerated. ClinVar contains an entry for this variant (Variation ID: 1034861). This variant has not been reported in the literature in individuals affected with NBN-related conditions. This variant is not present in population databases (gnomAD no frequency). This sequence change replaces arginine, which is basic and polar, with glycine, which is neutral and non-polar, at codon 624 of the NBN protein (p.Arg624Gly).

NM_002485.5(NBN):c.1870C>G (p.Arg624Gly)

Genes: NBN (nibrin; minus strand), LOC126860438 (MED14-independent group 3 enhancer GRCh37_chr8:90959982-90961181; plus strand). Cytogenetic location: 8q21.3.
Variant type: single nucleotide variant.
Coding change: c.1870C>G on transcript NM_002485.5 (MANE Select); coding-DNA position 1870, C replaced by G.
Protein change: p.Arg624Gly; replaces arginine 624 with glycine.
Molecular consequence: missense variant.
Genome position (GRCh38, 1-based): chr8:89,947,868, G>C on the plus strand (C>G on the coding strand, the complement: NBN is on the minus strand). VCF-style: chr8-89947868-G-C. GRCh37 (hg19) VCF-style: chr8-90960096-G-C.
Other names: c.1624C>G, p.Arg542Gly (NM_001024688.3); short protein forms R542G, R624G.
Identifiers: ClinVar variation 1034861 (VCV001034861.12), dbSNP rs962092255, ClinGen allele CA371677269.
Genomic context (GRCh38, chr8:89,947,868, plus strand): 5'-ATAAAACGTTTCTCACAGATATTTCTTTAGCTGACCATAGTGAGTCTTCCTTGAGTTCAC[G>C]TTTCTTCCCAATTTCATTTTCTTGCTAAAGAAATAAAATAAAAAATACTGTTCATAGGAG-3'
Protein context (NP_002476.2, residues 614-634): ISQENEIGKK[Arg624Gly]ELKEDSLWSA